The following is an entry in ClinVar:

NM_001134407.3(GRIN2A):c.1516G>A (p.Val506Ile)

Gene: GRIN2A (glutamate ionotropic receptor NMDA type subunit 2A; minus strand). Cytogenetic location: 16p13.2.
Variant type: single nucleotide variant.
Coding change: c.1516G>A on transcript NM_001134407.3 (MANE Select); coding-DNA position 1516, G replaced by A.
Protein change: p.Val506Ile; replaces valine 506 with isoleucine.
Molecular consequence: missense variant.
Genome position (GRCh38, 1-based): chr16:9,840,782, C>T on the plus strand (G>A on the coding strand, the complement: GRIN2A is on the minus strand). VCF-style: chr16-9840782-C-T. GRCh37 (hg19) VCF-style: chr16-9934639-C-T.
Other names: c.1516G>A, p.Val506Ile (NM_001134408.2, NM_000833.5); short protein forms V506I.
Identifiers: ClinVar variation 1028877 (VCV001028877.1), dbSNP rs368188808, ClinGen allele CA278181468.

ClinVar aggregate classification (germline): Uncertain significance (1 of 4 stars; one submission).

Conditions:
Landau-Kleffner syndrome (FESD). Also called: APHASIA, ACQUIRED, WITH EPILEPSY; EPILEPSY, FOCAL, WITH SPEECH DISORDER AND WITH OR WITHOUT MENTAL RETARDATION. Identifiers: Orphanet 1945, Orphanet 725, Orphanet 98818, MedGen C0282512, MONDO:0009509, OMIM 245570.

Allele frequency attached by ClinVar (database versions not stated): ESP Exome Variant Server 0.00008; TOPMed below 0.00001.
gnomAD v4.1: 1 of 1,588,046 alleles (0.000063%); highest among the groups gnomAD compares: Non-Finnish European, 0.000086%; no homozygotes.

Submission:

Baylor Genetics
Classification: Uncertain significance for Landau-Kleffner syndrome. Last evaluated: 2019-11-26. Review status: criteria provided, single submitter. Criteria: ACMG Guidelines, 2015. Collection method: clinical testing. Allele origin: unknown. Affected: yes.
Comment: This variant was determined to be of uncertain significance according to ACMG Guidelines, 2015 [PMID:25741868].